The following is an entry in ClinVar:

NM_000021.4(PSEN1):c.998A>G (p.Asp333Gly)

Gene: PSEN1 (presenilin 1; plus strand). Cytogenetic location: 14q24.2.
Variant type: single nucleotide variant.
Coding change: c.998A>G on transcript NM_000021.4 (MANE Select); coding-DNA position 998, A replaced by G.
Protein change: p.Asp333Gly; replaces aspartic acid 333 with glycine.
Molecular consequence: missense variant.
Genome position (GRCh38, 1-based): chr14:73,211,811, A>G. VCF-style: chr14-73211811-A-G. GRCh37 (hg19) VCF-style: chr14-73678519-A-G.
Other names: c.986A>G, p.Asp329Gly (NM_007318.3); short protein forms D333G, D329G.
Identifiers: ClinVar variation 18156 (VCV000018156.14), dbSNP rs121917809, ClinGen allele CA258124.

ClinVar aggregate classification (germline): Conflicting classifications of pathogenicity. Review status: criteria provided, conflicting classifications (1 of 4 stars). 5 submissions from 5 submitters: Uncertain significance (1); Benign (1); Likely benign (2). 1 of the submissions does not count toward it. Last evaluated 2025-09-19.

Conditions:
Acne inversa, familial, 3 (ACNINV3). Identifiers: MedGen C3151038, MONDO:0013398, OMIM 613737.
Frontotemporal dementia (FTD1). Also called: FRONTOTEMPORAL DEMENTIA WITH PARKINSONISM; FRONTOTEMPORAL LOBE DEMENTIA; Dementia, frontotemporal, with or without parkinsonism; Frontotemporal Dementia with Parkinsonism-17 (FTDP-17); Frontotemporal lobe dementia (FLDEM); MULTIPLE SYSTEM TAUOPATHY WITH PRESENILE DEMENTIA. Identifiers: Orphanet 282, MedGen C0338451, MONDO:0017276, OMIM 600274, HP:0002145.
Alzheimer disease 3 (AD3). Also called: ALZHEIMER DISEASE, FAMILIAL, 3. Identifiers: Orphanet 1020, MedGen C1843013, MONDO:0011913, OMIM 607822.
Pick disease. Also called: DEMENTIA WITH LOBAR ATROPHY AND NEURONAL CYTOPLASMIC INCLUSIONS; Pick Disease of the Brain; PICK DISEASE OF BRAIN; LOBAR ATROPHY OF BRAIN; Pick's disease. Identifiers: Orphanet 282, MedGen C0236642, MONDO:0008243, OMIM 172700.
Heart failure. Identifiers: MedGen C0018801, MONDO:0005252.
Primary dilated cardiomyopathy (DCM). Also called: Dilated Cardiomyopathy. Identifiers: Orphanet 217604, MedGen C0007193, MeSH D002311, MONDO:0005021, HP:0001644. Inheritance: Various modes of inheritance.
Dilated cardiomyopathy 1U. Identifiers: Orphanet 154, MedGen C3160720, MONDO:0013371, OMIM 613694.

Allele frequency attached by ClinVar (database versions not stated): 1000 Genomes Project 30x 0.00031; 1000 Genomes Project 0.00040; gnomAD exomes 0.00002 and 0.00008; ExAC 0.00012; TOPMed 0.00027.
gnomAD v4.1: 66 of 1,614,124 alleles (0.0041%); highest among the groups gnomAD compares: African/African-American, 0.084%; no homozygotes.

Submissions (5):

Athena Diagnostics
Classification: Benign. Last evaluated: 2025-09-19. Review status: criteria provided, single submitter. Criteria: Athena Diagnostics Criteria. Collection method: clinical testing. Allele origin: unknown.
Comment: The frequency of this variant in the general population is higher than would generally be expected for pathogenic variants in this gene. Assessment of experimental evidence regarding the effect of this variant on protein function suggests it has no effect relevant to disease.

Labcorp Genetics (formerly Invitae), Labcorp
Classification: Likely benign for Alzheimer disease 3; Pick disease; Acne inversa, familial, 3; Frontotemporal dementia. Last evaluated: 2025-08-03. Review status: criteria provided, single submitter. Criteria: Invitae Variant Classification Sherloc (09022015). Collection method: clinical testing. Allele origin: germline.

Blueprint Genetics
Classification: Likely benign. Last evaluated: 2022-07-17. Review status: criteria provided, single submitter. Criteria: ACMG Guidelines, 2015. Collection method: clinical testing. Allele origin: germline.

Biesecker Lab/Clinical Genomics Section, National Institutes of Health
Classification: Uncertain significance for Primary dilated cardiomyopathy; Heart failure. Last evaluated: 2018-04-05. Review status: criteria provided, single submitter. Criteria: ACMG Guidelines, 2015. Collection method: research. Allele origin: unknown. Affected: no. Observed: 1 variant allele.
Comment: The study set was not selected for affection status in relation to arrhythmia or cardiomyopathy. Pathogenicity categories were based on literature curation. See Pubmed ID:25741868 for details.

Medical sequencing

OMIM
Classification: Pathogenic for CARDIOMYOPATHY, DILATED, 1U. Last evaluated: 2006-12-01. Review status: no assertion criteria provided. Collection method: literature only. Allele origin: germline. Not counted in ClinVar's aggregate classification.

Literature cited by the submitters: PubMed 24217025 (cited by Athena Diagnostics); PubMed 26203236 (cited by Athena Diagnostics); PubMed 27930341 (cited by Athena Diagnostics); PubMed 23861362 (cited by Athena Diagnostics); PubMed 39428839 (cited by Athena Diagnostics); PubMed 17186461 (cited by Athena Diagnostics and OMIM).